The following is an entry in ClinVar:

NM_001080477.4(TENM3):c.7703G>A (p.Arg2568His)

Gene: TENM3 (teneurin transmembrane protein 3; plus strand). Cytogenetic location: 4q35.1.
Variant type: single nucleotide variant.
Coding change: c.7703G>A on transcript NM_001080477.4 (MANE Select); coding-DNA position 7703, G replaced by A.
Protein change: p.Arg2568His; replaces arginine 2568 with histidine.
Molecular consequence: missense variant.
Genome position (GRCh38, 1-based): chr4:182,799,954, G>A. VCF-style: chr4-182799954-G-A. GRCh37 (hg19) VCF-style: chr4-183721107-G-A.
Other names: short protein forms R2568H.
Identifiers: ClinVar variation 776031 (VCV000776031.12), dbSNP rs200859700, ClinGen allele CA3148988.
Genomic context (GRCh38, chr4:182,799,954, plus strand): 5'-ACTTCATCAAGACCACCACGCCCGAGAGCGACCTGGGCACGCTGCGGTTGACCAGCGGCC[G>A]CAAGGCGCTGGAGAACGGCATCAACGTGACGGTGTCGCAGTCCACCACGGTGGTGAACGG-3'
Protein context (NP_001073946.1, residues 2558-2578): DLGTLRLTSG[Arg2568His]KALENGINVT

ClinVar aggregate classification (germline): Benign. Review status: criteria provided, multiple submitters, no conflicts (2 of 4 stars). 3 submissions from 3 submitters: Benign (2). 1 of the submissions does not count toward it. Last evaluated 2026-01-04.

Conditions:
TENM3-related disorder. Also called: TENM3-related condition.

Allele frequency attached by ClinVar (database versions not stated): gnomAD exomes 0.00101; ExAC 0.00167; 1000 Genomes Project 0.00379; 1000 Genomes Project 30x 0.00422; ESP Exome Variant Server 0.00461; gnomAD 0.00492 and 0.00520; TOPMed 0.00505.
gnomAD v4.1: 1,451 of 1,591,988 alleles (0.091%); highest among the groups gnomAD compares: African/African-American, 1.7%; 8 homozygotes.

Submissions (3):

Labcorp Genetics (formerly Invitae), Labcorp
Classification: Benign. Last evaluated: 2026-01-04. Review status: criteria provided, single submitter. Criteria: Invitae Variant Classification Sherloc (09022015). Collection method: clinical testing. Allele origin: germline.

Breakthrough Genomics
Classification: Benign. Review status: criteria provided, single submitter. Criteria: ACMG Guidelines, 2015. Collection method: not provided. Allele origin: germline. Inheritance: Autosomal recessive inheritance. Affected: yes.

PreventionGenetics, part of Exact Sciences
Classification: Benign for TENM3-related condition. Last evaluated: 2023-12-20. Review status: no assertion criteria provided. Collection method: clinical testing. Allele origin: germline. Not counted in ClinVar's aggregate classification.
Comment: This variant is classified as benign based on ACMG/AMP sequence variant interpretation guidelines (Richards et al. 2015 PMID: 25741868, with internal and published modifications).